The following is an entry in ClinVar:

ClinVar aggregate classification (germline): Uncertain significance (1 of 4 stars; one submission).

Conditions:
Neurofibromatosis, type 1 (NF1). Also called: NEUROFIBROMATOSIS, TYPE I, SOMATIC; Neurofibromatosis, type I; Peripheral type neurofibromatosis; VON RECKLINGHAUSEN DISEASE. Identifiers: Orphanet 636, MedGen C0027831, MONDO:0018975, OMIM 162200. Disease mechanism: loss of function.

Submission:

Labcorp Genetics (formerly Invitae), Labcorp
Classification: Uncertain significance for Neurofibromatosis, type 1. Last evaluated: 2022-12-05. Review status: criteria provided, single submitter. Criteria: Invitae Variant Classification Sherloc (09022015). Collection method: clinical testing. Allele origin: germline.
Comment: This variant is not present in population databases (gnomAD no frequency). This sequence change replaces histidine, which is basic and polar, with glutamine, which is neutral and polar, at codon 435 of the NF1 protein (p.His435Gln). This variant has not been reported in the literature in individuals affected with NF1-related conditions. Advanced modeling of protein sequence and biophysical properties (such as structural, functional, and spatial information, amino acid conservation, physicochemical variation, residue mobility, and thermodynamic stability) performed at Invitae indicates that this missense variant is not expected to disrupt NF1 protein function. In summary, the available evidence is currently insufficient to determine the role of this variant in disease. Therefore, it has been classified as a Variant of Uncertain Significance.

NM_001042492.3(NF1):c.1305C>A (p.His435Gln)

Gene: NF1 (neurofibromin 1; plus strand). Cytogenetic location: 17q11.2.
Variant type: single nucleotide variant.
Coding change: c.1305C>A on transcript NM_001042492.3 (MANE Select); coding-DNA position 1305, C replaced by A.
Protein change: p.His435Gln; replaces histidine 435 with glutamine.
Molecular consequence: missense variant.
Genome position (GRCh38, 1-based): chr17:31,206,284, C>A. VCF-style: chr17-31206284-C-A. GRCh37 (hg19) VCF-style: chr17-29533302-C-A.
Other names: c.1305C>A, p.His435Gln (NM_000267.4, NM_001128147.3); short protein forms H435Q.
Identifiers: ClinVar variation 2088774 (VCV002088774.4), dbSNP rs786201720, ClinGen allele CA398999322.